The following is an entry in ClinVar:

ClinVar aggregate classification (germline): Uncertain significance (1 of 4 stars; one submission).

Conditions:
Cardiovascular phenotype. Identifiers: MedGen CN230736.

Allele frequency attached by ClinVar (database versions not stated): gnomAD exomes below 0.00001; gnomAD 0.00001; TOPMed 0.00001.

Submission:

Ambry Genetics
Classification: Uncertain significance for Cardiovascular phenotype. Last evaluated: 2021-03-02. Review status: criteria provided, single submitter. Criteria: Ambry Variant Classification Scheme 2023. Collection method: clinical testing. Allele origin: germline.
Comment: The p.P19L variant (also known as c.56C>T), located in coding exon 1 of the KCNJ5 gene, results from a C to T substitution at nucleotide position 56. The proline at codon 19 is replaced by leucine, an amino acid with similar properties. This amino acid position is not well conserved in available vertebrate species. In addition, this alteration is predicted to be tolerated by in silico analysis. Since supporting evidence is limited at this time, the clinical significance of this alteration remains unclear.

NM_000890.5(KCNJ5):c.56C>T (p.Pro19Leu)

Gene: KCNJ5 (potassium inwardly rectifying channel subfamily J member 5; plus strand). Cytogenetic location: 11q24.3.
Variant type: single nucleotide variant.
Coding change: c.56C>T on transcript NM_000890.5 (MANE Select); coding-DNA position 56, C replaced by T.
Protein change: p.Pro19Leu; replaces proline 19 with leucine.
Molecular consequence: missense variant.
Genome position (GRCh38, 1-based): chr11:128,911,329, C>T. VCF-style: chr11-128911329-C-T. GRCh37 (hg19) VCF-style: chr11-128781224-C-T.
Other names: c.56C>T, p.Pro19Leu (NM_001354169.2); short protein forms P19L.
Identifiers: ClinVar variation 1749151 (VCV001749151.2), dbSNP rs1944493671, ClinGen allele CA383245456.